The following is an entry in ClinVar:

ClinVar aggregate classification (germline): Likely benign. Review status: criteria provided, multiple submitters, no conflicts (2 of 4 stars). 2 submissions from 2 submitters: Likely benign (2). Last evaluated 2026-07-01.

Conditions:
Granulomatous disease, chronic, autosomal recessive, cytochrome b-positive, type 2. Also called: GRANULOMATOUS DISEASE, CHRONIC, AUTOSOMAL RECESSIVE, 2; Chronic granulomatous disease due to deficiency of NCF-2; Chronic Granulomatous Disease, Autosomal Recessive, Cytochrome b-Positive, Type II; CGD, AUTOSOMAL RECESSIVE CYTOCHROME b-POSITIVE, TYPE II; GRANULOMATOUS DISEASE, CHRONIC, DUE TO NCF2 DEFICIENCY. Identifiers: Orphanet 379, MedGen C1856245, MONDO:0009310, OMIM 233710.

Allele frequency attached by ClinVar (database versions not stated): ExAC 0.00002; TOPMed 0.00002; gnomAD 0.00003 and 0.00004; gnomAD exomes 0.00003 and 0.00005; ESP Exome Variant Server 0.00008.
gnomAD v4.1: 76 of 1,613,976 alleles (0.0047%); highest among the groups gnomAD compares: Middle Eastern, 0.033%; 1 homozygote.

Submissions (2):

CeGaT Center for Human Genetics Tuebingen
Classification: Likely benign. Last evaluated: 2026-07-01. Review status: criteria provided, single submitter. Criteria: CeGaT Center For Human Genetics Tuebingen Variant Classification Criteria Version 2. Collection method: clinical testing. Allele origin: germline. Affected: yes. Observed: 1 variant allele.
Comment: NCF2: BP4

Labcorp Genetics (formerly Invitae), Labcorp
Classification: Likely benign for Granulomatous disease, chronic, autosomal recessive, cytochrome b-positive, type 2. Last evaluated: 2025-08-29. Review status: criteria provided, single submitter. Criteria: Invitae Variant Classification Sherloc (09022015). Collection method: clinical testing. Allele origin: germline.

NM_000433.4(NCF2):c.501+7G>A

Gene: NCF2 (neutrophil cytosolic factor 2; minus strand). Cytogenetic location: 1q25.3.
Variant type: single nucleotide variant.
Coding change: c.501+7G>A on transcript NM_000433.4 (MANE Select); 7 bases into the intron after coding-DNA position 501, G replaced by A.
Molecular consequence: intron variant.
Genome position (GRCh38, 1-based): chr1:183,574,480, C>T on the plus strand (G>A on the coding strand, the complement: NCF2 is on the minus strand). VCF-style: chr1-183574480-C-T. GRCh37 (hg19) VCF-style: chr1-183543615-C-T.
Other names: c.501+7G>A (NM_001127651.3); c.366+3119G>A (NM_001190789.2); c.367-1188G>A (NM_001190794.2).
Identifiers: ClinVar variation 1087892 (VCV001087892.10), dbSNP rs368417422, ClinGen allele CA1284956.
Genomic context (GRCh38, chr1:183,574,480, plus strand): 5'-CATGTCCTCTGAGACAAATGAGAATCCAGTGACATCCTCTCAACACCTGCATCACCAATA[C>T]GCTTACCCAGACACACTCCATCGCCTTGTCGATTTTGGAATGTCTGGGCTCAGACTTCAT-3'